The following is an entry in ClinVar:

NM_000540.3(RYR1):c.7187G>C (p.Gly2396Ala)

Gene: RYR1 (ryanodine receptor 1; plus strand). Cytogenetic location: 19q13.2.
Variant type: single nucleotide variant.
Coding change: c.7187G>C on transcript NM_000540.3 (MANE Select); coding-DNA position 7187, G replaced by C.
Protein change: p.Gly2396Ala; replaces glycine 2396 with alanine.
Molecular consequence: missense variant.
Genome position (GRCh38, 1-based): chr19:38,499,794, G>C. VCF-style: chr19-38499794-G-C. GRCh37 (hg19) VCF-style: chr19-38990434-G-C.
Other names: c.7187G>C, p.Gly2396Ala (NM_001042723.2); short protein forms G2396A.
Identifiers: ClinVar variation 3071350 (VCV003071350.1), dbSNP rs764470623, ClinGen allele CA405668745.

ClinVar aggregate classification (germline): Uncertain significance (1 of 4 stars; one submission).

Conditions:
Malignant hyperthermia, susceptibility to, 1 (MHS1). Also called: Anesthesia related hyperthermia; Malignant hyperpyrexia; Fulminating hyperpyrexia; Pharmacogenic myopathy; RYR1-Related Malignant Hyperthermia Susceptibility; Malignant hyperthermia suceptibility 1. Identifiers: Orphanet 423, MedGen C2930980, MONDO:0007783, OMIM 145600.

Submission:

All of Us Research Program, National Institutes of Health
Classification: Uncertain significance for Malignant hyperthermia, susceptibility to, 1. Last evaluated: 2023-05-31. Review status: criteria provided, single submitter. Criteria: ACMG Guidelines, 2015. Collection method: clinical testing. Allele origin: germline. Inheritance: Autosomal dominant inheritance. Observed: 1 variant allele, 1 heterozygote.
Comment: This study involves interpretation of variants in research participants for the purpose of population health screening. Participant phenotype was not available at the time of variant classification. Additional details can be found in publication PMID: 35346344, PMCID: PMC8962531